The following is an entry in ClinVar:

NM_006343.3(MERTK):c.721C>T (p.Gln241Ter)

Gene: MERTK (MER proto-oncogene, tyrosine kinase; plus strand). Cytogenetic location: 2q13.
Variant type: single nucleotide variant.
Coding change: c.721C>T on transcript NM_006343.3 (MANE Select); coding-DNA position 721, C replaced by T.
Protein change: p.Gln241Ter; replaces glutamine 241 with a stop codon.
Molecular consequence: nonsense.
Genome position (GRCh38, 1-based): chr2:111,947,531, C>T. VCF-style: chr2-111947531-C-T. GRCh37 (hg19) VCF-style: chr2-112705108-C-T.
Other names: short protein forms Q241*.
Identifiers: ClinVar variation 2734259 (VCV002734259.4), dbSNP rs2466781317, ClinGen allele CA348229254.
Genomic context (GRCh38, chr2:111,947,531, plus strand): 5'-GTGGGCCCGCCTGAGCCCGTCAACATTTTCTGGGTTCAAAACAGTAGCCGTGTTAACGAA[C>T]AGCCTGAAAAATCCCCCTCCGTGCTAACTGTTCCAGGTAAGTCCGAGCTGTGGGCTTATT-3'

ClinVar aggregate classification (germline): Pathogenic/Likely pathogenic. Review status: criteria provided, multiple submitters, no conflicts (2 of 4 stars). 2 submissions from 2 submitters: Pathogenic (1); Likely pathogenic (1). Last evaluated 2024-10-04.

Conditions:
Retinitis pigmentosa 38 (RP38). Also called: ROD-CONE DYSTROPHY, CHILDHOOD-ONSET. Identifiers: Orphanet 791, MedGen C3151228, MONDO:0013469, OMIM 613862.

Submissions (2):

Dubai Health Genomic Medicine Center, Dubai Health
Classification: Likely pathogenic for Retinitis pigmentosa 38. Last evaluated: 2024-10-04. Review status: criteria provided, single submitter. Criteria: ACMG Guidelines, 2015. Collection method: research. Allele origin: germline. Affected: yes.
Comment: PVS1,PM2

Labcorp Genetics (formerly Invitae), Labcorp
Classification: Pathogenic. Last evaluated: 2023-04-17. Review status: criteria provided, single submitter. Criteria: Invitae Variant Classification Sherloc (09022015). Collection method: clinical testing. Allele origin: germline.
Comment: For these reasons, this variant has been classified as Pathogenic. This premature translational stop signal has been observed in individual(s) with retinitis pigmentosa (PMID: 26147992, 32783370). This variant is not present in population databases (gnomAD no frequency). This sequence change creates a premature translational stop signal (p.Gln241*) in the MERTK gene. It is expected to result in an absent or disrupted protein product. Loss-of-function variants in MERTK are known to be pathogenic (PMID: 24265693, 29659094).

Literature cited by the submitters: PubMed 26147992 (cited by Labcorp Genetics (formerly Invitae), Labcorp); PubMed 32783370 (cited by Labcorp Genetics (formerly Invitae), Labcorp); PubMed 24265693 (cited by Labcorp Genetics (formerly Invitae), Labcorp); PubMed 29659094 (cited by Labcorp Genetics (formerly Invitae), Labcorp).